The following is an entry in ClinVar:

ClinVar aggregate classification (germline): Uncertain significance (1 of 4 stars; one submission).

gnomAD v4.1: 62 of 1,614,070 alleles (0.0038%); highest among the groups gnomAD compares: Admixed American, 0.005%; no homozygotes.

Submission:

CeGaT Center for Human Genetics Tuebingen
Classification: Uncertain significance. Last evaluated: 2026-03-01. Review status: criteria provided, single submitter. Criteria: CeGaT Center For Human Genetics Tuebingen Variant Classification Criteria Version 2. Collection method: clinical testing. Allele origin: germline. Affected: yes. Observed: 1 variant allele.
Comment: SERPIND1: PS4:Moderate

NM_000185.4(SERPIND1):c.1402C>T (p.Arg468Cys)

Genes: PI4KA (phosphatidylinositol 4-kinase alpha; minus strand), SERPIND1 (serpin family D member 1; plus strand). Cytogenetic location: 22q11.21.
Variant type: single nucleotide variant.
Coding change: c.1402C>T on transcript NM_000185.4 (MANE Select); coding-DNA position 1402, C replaced by T.
Protein change: p.Arg468Cys; replaces arginine 468 with cysteine.
Molecular consequence: missense variant. On other transcripts: intron variant (3).
Genome position (GRCh38, 1-based): chr22:20,786,968, C>T. VCF-style: chr22-20786968-C-T. GRCh37 (hg19) VCF-style: chr22-21141256-C-T.
Other names: c.2262+6225G>A (NM_001362863.2); c.2328+6225G>A (NM_001362862.2, NM_058004.4); short protein forms R468C.
Identifiers: ClinVar variation 4821508 (VCV004821508.4).